The following is an entry in ClinVar:

ClinVar aggregate classification (germline): Uncertain significance (1 of 4 stars; one submission).

gnomAD v4.1: 1 of 1,614,040 alleles (0.000062%); highest among the groups gnomAD compares: Non-Finnish European, 0.000085%; no homozygotes.

Submission:

Labcorp Genetics (formerly Invitae), Labcorp
Classification: Uncertain significance. Last evaluated: 2023-08-08. Review status: criteria provided, single submitter. Criteria: Invitae Variant Classification Sherloc (09022015). Collection method: clinical testing. Allele origin: germline.
Comment: In summary, the available evidence is currently insufficient to determine the role of this variant in disease. Therefore, it has been classified as a Variant of Uncertain Significance. Algorithms developed to predict the effect of missense changes on protein structure and function output the following: SIFT: "Not Available"; PolyPhen-2: "Benign"; Align-GVGD: "Not Available". The aspartic acid amino acid residue is found in multiple mammalian species, which suggests that this missense change does not adversely affect protein function. This variant has not been reported in the literature in individuals affected with KLF10-related conditions. This variant is not present in population databases (gnomAD no frequency). This sequence change replaces glutamic acid, which is acidic and polar, with aspartic acid, which is acidic and polar, at codon 136 of the KLF10 protein (p.Glu136Asp).

NM_005655.4(KLF10):c.408G>C (p.Glu136Asp)

Gene: KLF10 (KLF transcription factor 10; minus strand). Cytogenetic location: 8q22.3.
Variant type: single nucleotide variant.
Coding change: c.408G>C on transcript NM_005655.4 (MANE Select); coding-DNA position 408, G replaced by C.
Protein change: p.Glu136Asp; replaces glutamic acid 136 with aspartic acid.
Molecular consequence: missense variant.
Genome position (GRCh38, 1-based): chr8:102,651,924, C>G on the plus strand (G>C on the coding strand, the complement: KLF10 is on the minus strand). VCF-style: chr8-102651924-C-G. GRCh37 (hg19) VCF-style: chr8-103664152-C-G.
Other names: c.375G>C, p.Glu125Asp (NM_001032282.4); short protein forms E125D, E136D.
Identifiers: ClinVar variation 2969365 (VCV002969365.3), dbSNP rs1176812336, ClinGen allele CA371628770.